The following is an entry in ClinVar:

ClinVar aggregate classification (germline): Uncertain significance (1 of 4 stars; one submission).

gnomAD v4.1: 1 of 1,549,046 alleles (0.000065%); highest among the groups gnomAD compares: Non-Finnish European, 0.000087%; no homozygotes.

Submission:

Labcorp Genetics (formerly Invitae), Labcorp
Classification: Uncertain significance. Last evaluated: 2022-02-22. Review status: criteria provided, single submitter. Criteria: Invitae Variant Classification Sherloc (09022015). Collection method: clinical testing. Allele origin: germline.
Comment: This sequence change affects codon 981 of the UNC80 mRNA. It is a 'silent' change, meaning that it does not change the encoded amino acid sequence of the UNC80 protein. It affects a nucleotide within the consensus splice site. In summary, the available evidence is currently insufficient to determine the role of this variant in disease. Therefore, it has been classified as a Variant of Uncertain Significance. Algorithms developed to predict the effect of sequence changes on RNA splicing suggest that this variant may disrupt the consensus splice site. This variant has not been reported in the literature in individuals affected with UNC80-related conditions. This variant is not present in population databases (gnomAD no frequency).

NM_001371986.1(UNC80):c.2943G>A (p.Arg981=)

Gene: UNC80 (unc-80 homolog, NALCN channel complex subunit; plus strand). Cytogenetic location: 2q34.
Variant type: single nucleotide variant.
Coding change: c.2943G>A on transcript NM_001371986.1 (MANE Select); coding-DNA position 2943, G replaced by A.
Protein change: p.Arg981=; no amino-acid change (arginine 981 retained).
Molecular consequence: synonymous variant.
Genome position (GRCh38, 1-based): chr2:209,834,912, G>A. VCF-style: chr2-209834912-G-A. GRCh37 (hg19) VCF-style: chr2-210699636-G-A.
Other names: c.2943G>A, p.Arg981= (NM_032504.2); c.2928G>A, p.Arg976= (NM_182587.4).
Identifiers: ClinVar variation 2102012 (VCV002102012.2), dbSNP rs896768926, ClinGen allele CA64681273.
Genomic context (GRCh38, chr2:209,834,912, plus strand): 5'-GAAGTATTAAGACTTGCTATCCTGCTCTGCTGTAATTGTTGGAATGCACCATTTGCATAG[G>A]TCAGAGGCGGGAAGCATTGTGGATAAAGGCCAGGTATCCTCTGCACCTGAGGAATGTCGC-3'
Protein context (NP_001358915.1, residues 971-991): EQESKPAGSK[Arg981=]SEAGSIVDKG